The following is an entry in ClinVar:

NM_032656.4(DHX37):c.3178C>T (p.Arg1060Cys)

Gene: DHX37 (DEAH-box helicase 37; minus strand). Cytogenetic location: 12q24.31.
Variant type: single nucleotide variant.
Coding change: c.3178C>T on transcript NM_032656.4 (MANE Select); coding-DNA position 3178, C replaced by T.
Protein change: p.Arg1060Cys; replaces arginine 1060 with cysteine.
Molecular consequence: missense variant.
Genome position (GRCh38, 1-based): chr12:124,950,187, G>A on the plus strand (C>T on the coding strand, the complement: DHX37 is on the minus strand). VCF-style: chr12-124950187-G-A. GRCh37 (hg19) VCF-style: chr12-125434733-G-A.
Other names: short protein forms R1060C.
Identifiers: ClinVar variation 2255128 (VCV002255128.24), dbSNP rs116833233, ClinGen allele CA6871327.
Genomic context (GRCh38, chr12:124,950,187, plus strand): 5'-CTGGAGCCGCTGTGCCACCTACCTGCCCTTCCAGCAGGAACCGGGCAAAGTGCTTGTAGC[G>A]GTCAATCCCCTCTGGAAAATCCACCTCGATGGCGGGGAGCGGCCAGCCCACGCGATCTAG-3'
Protein context (NP_116045.2, residues 1050-1070): IEVDFPEGID[Arg1060Cys]YKHFARFLLE

ClinVar aggregate classification (germline): Likely benign. Review status: criteria provided, multiple submitters, no conflicts (2 of 4 stars). 2 submissions from 2 submitters: Likely benign (2). Last evaluated 2023-12-01.

Conditions:
Inborn genetic diseases. Identifiers: MedGen C0950123, MeSH D030342.

Allele frequency attached by ClinVar (database versions not stated): 1000 Genomes Project 30x 0.00016; 1000 Genomes Project 0.00020.
gnomAD v4.1: 23 of 1,614,048 alleles (0.0014%); highest among the groups gnomAD compares: East Asian, 0.029%; no homozygotes.

Submissions (2):

CeGaT Center for Human Genetics Tuebingen
Classification: Likely benign. Last evaluated: 2023-12-01. Review status: criteria provided, single submitter. Criteria: CeGaT Center For Human Genetics Tuebingen Variant Classification Criteria Version 2. Collection method: clinical testing. Allele origin: germline. Affected: yes. Observed: 1 variant allele.
Comment: DHX37: BP4

Ambry Genetics
Classification: Likely benign for Inborn genetic diseases. Last evaluated: 2021-10-12. Review status: criteria provided, single submitter. Criteria: Ambry Variant Classification Scheme 2023. Collection method: clinical testing. Allele origin: germline.